The following is an entry in ClinVar:

ClinVar aggregate classification (germline): Conflicting classifications of pathogenicity. Review status: criteria provided, conflicting classifications (1 of 4 stars). 4 submissions from 4 submitters: Likely pathogenic (1); Uncertain significance (3). Last evaluated 2024-08-30.

Conditions:
Diamond-Blackfan anemia. Also called: Blackfan Diamond syndrome; Aregenerative anemia chronic congenital; Red cell aplasia, pure hereditary; Congenital hypoplastic anemia; Aase syndrome. Identifiers: Orphanet 124, MedGen C1260899, MeSH D029503, MONDO:0015253, HP:0004810.

Submissions (4):

Ambry Genetics
Classification: Likely pathogenic for Diamond-Blackfan anemia. Last evaluated: 2024-08-30. Review status: criteria provided, single submitter. Criteria: Ambry Variant Classification Scheme 2023. Collection method: clinical testing. Allele origin: germline.
Comment: The c.3+5G>C intronic alteration consists of a G to C substitution 5 nucleotides after exon 1 (coding exon 1) of the RPL5 gene. This variant was not reported in population-based cohorts in the Genome Aggregation Database (gnomAD). This nucleotide position is highly conserved in available vertebrate species. RNA studies have demonstrated that this alteration results in abnormal splicing in the set of samples tested (Ambry internal data). In silico splice site analysis predicts that this alteration will weaken the native splice donor site and may result in the creation or strengthening of a novel splice donor site. Based on the available evidence, this alteration is classified as likely pathogenic.

GeneDx
Classification: Uncertain significance. Last evaluated: 2024-02-04. Review status: criteria provided, single submitter. Criteria: GeneDx Variant Classification Process June 2021. Collection method: clinical testing. Allele origin: germline. Affected: yes.
Comment: Not observed at significant frequency in large population cohorts (gnomAD); Intronic +5 splice site variant in a gene for which loss of function is a known mechanism of disease, and both splice predictors and evolutionary conservation support a deleterious effect, although in the absence of functional evidence the actual effect of this sequence change is unknown.; Has not been previously published as pathogenic or benign to our knowledge

Labcorp Genetics (formerly Invitae), Labcorp
Classification: Uncertain significance for Diamond-Blackfan anemia. Last evaluated: 2023-06-11. Review status: criteria provided, single submitter. Criteria: Invitae Variant Classification Sherloc (09022015). Collection method: clinical testing. Allele origin: germline.
Comment: Variants that disrupt the consensus splice site are a relatively common cause of aberrant splicing (PMID: 17576681, 9536098). Algorithms developed to predict the effect of sequence changes on RNA splicing suggest that this variant may disrupt the consensus splice site. This sequence change falls in intron 1 of the RPL5 gene. It does not directly change the encoded amino acid sequence of the RPL5 protein. It affects a nucleotide within the consensus splice site. This variant is not present in population databases (gnomAD no frequency). This variant has not been reported in the literature in individuals affected with RPL5-related conditions. In summary, the available evidence is currently insufficient to determine the role of this variant in disease. Therefore, it has been classified as a Variant of Uncertain Significance.

Blueprint Genetics
Classification: Uncertain significance. Last evaluated: 2021-07-02. Review status: criteria provided, single submitter. Criteria: ACMG Guidelines, 2015. Collection method: clinical testing. Allele origin: germline.

Literature cited by the submitters: PubMed 17576681 (cited by Labcorp Genetics (formerly Invitae), Labcorp); PubMed 9536098 (cited by Labcorp Genetics (formerly Invitae), Labcorp).

NM_000969.5(RPL5):c.3+5G>C

Gene: RPL5 (ribosomal protein L5; plus strand). Cytogenetic location: 1p22.1.
Variant type: single nucleotide variant.
Coding change: c.3+5G>C on transcript NM_000969.5 (MANE Select); 5 bases into the intron after coding-DNA position 3, G replaced by C.
Molecular consequence: intron variant.
Genome position (GRCh38, 1-based): chr1:92,832,122, G>C. VCF-style: chr1-92832122-G-C. GRCh37 (hg19) VCF-style: chr1-93297679-G-C.
Other names: c.3+5G>C (NM_000969.3).
Identifiers: ClinVar variation 2711753 (VCV002711753.6), dbSNP rs2524440290, ClinGen allele CA2697552489.